The following is an entry in ClinVar:

NM_000545.8(HNF1A):c.790G>T (p.Val264Phe)

Gene: HNF1A (HNF1 homeobox A; plus strand). Cytogenetic location: 12q24.31.
Variant type: single nucleotide variant.
Coding change: c.790G>T on transcript NM_000545.8 (MANE Select); coding-DNA position 790, G replaced by T.
Protein change: p.Val264Phe; replaces valine 264 with phenylalanine.
Molecular consequence: missense variant.
Genome position (GRCh38, 1-based): chr12:120,994,240, G>T. VCF-style: chr12-120994240-G-T. GRCh37 (hg19) VCF-style: chr12-121432043-G-T.
Other names: NM_000545.6(HNF1A):c.790G>T; c.790G>T, p.Val264Phe (NM_001306179.2); short protein forms V264F.
Identifiers: ClinVar variation 36830 (VCV000036830.8), dbSNP rs193922604, ClinGen allele CA214327.

ClinVar aggregate classification (germline): Likely pathogenic. Review status: reviewed by expert panel (3 of 4 stars). 3 submissions from 3 submitters: Likely pathogenic (1). 2 of the submissions do not count toward it. Last evaluated 2025-08-05.

Conditions:
Monogenic diabetes. Identifiers: Orphanet 183625, MedGen C3888631, MONDO:0015967.
Maturity-onset diabetes of the young (MODY). Also called: Maturity onset diabetes mellitus in young. Identifiers: Orphanet 552, MedGen C0342276, MONDO:0018911, HP:0004904.
Maturity-onset diabetes of the young type 3. Also called: MODY type 3; MODY, type III. Identifiers: Orphanet 552, MedGen C1838100, MeSH C563933, MONDO:0010894, OMIM 600496. Disease mechanism: loss of function.

Submissions (3):

ClinGen Monogenic Diabetes Variant Curation Expert Panel
Classification: Likely pathogenic for Monogenic diabetes. Last evaluated: 2025-08-05. Review status: reviewed by expert panel. Criteria: ClinGen Diabetes ACMG Specifications HNF1A V3.0.0. Collection method: curation. Allele origin: germline. Inheritance: Autosomal dominant inheritance.
Comment: The c.790G>T variant in the HNF1 homeobox A gene, HNF1A, causes an amino acid change of valine to phenylalanine at codon 264 (p.(Val264Phe)) of NM_000545.8. This variant resides in an amino acid within the HNF1α DNA binding domain that directly binds DNA, which is defined as critical for the protein’s function by the ClinGen MDEP (PM1). This variant is absent from gnomAD v2.1.1 and v4.1.0 (PM2_Supporting). Additionally, this variant is predicted to be deleterious by computational evidence, with a REVEL score of 0.964, which is greater than the MDEP VCEP threshold of 0.70 (PP3). This variant was identified in three unrelated individuals with non-autoimmune and non-absolute/near-absolute insulin-deficient diabetes; however, PS4_Moderate cannot be applied because this number is below the ClinGen MDEP threshold (PMID: 18003757, 36257325, internal lab contributors). At least 2 of these individuals did have a clinical history highly specific for HNF1A-MODY (MODY probability calculator result >50%, negative genetic testing for HNF4A, and one had a low renal glucose threshold) (PP4_Moderate; internal lab contributors). This variant segregated with diabetes with one informative meiosis in a single family; however, this does not meet the thresholds for PP1 set by the ClinGen MDEP (PMID: 36257325). In summary, c.790G>T meets the criteria to be classified as likely pathogenic for monogenic diabetes. ACMG/AMP criteria applied, as specified by the ClinGen MDEP (specification version 3.0.0, approved 6/30/2025): PM1, PM2_Supporting, PP3, PP4_Moderate.

Women's Health and Genetics/Laboratory Corporation of America, LabCorp
Classification: Likely pathogenic for MODY3. Last evaluated: 2011-08-18. Review status: criteria provided, single submitter. Criteria: LabCorp Variant Classification Summary - May 2015. Collection method: curation, clinical testing. Allele origin: germline. Inheritance: autosomal dominant. Affected: yes. Observed: 1 variant allele. Not counted in ClinVar's aggregate classification.
ClinVar note: Converted during submission from likely pathogenic to Likely pathogenic.

Clinical Genomics, Uppaluri K&H Personalized Medicine Clinic
Classification: Likely pathogenic for Maturity-onset diabetes of the young. Review status: criteria provided, single submitter. Criteria: K & H Uppaluri Personalized Medicine Clinic Variant Classification & Assertion Criteria_Updated V.1. Collection method: research. Allele origin: unknown. Inheritance: Autosomal dominant inheritance. Not counted in ClinVar's aggregate classification.
Comment: Mutations in HNF1A gene can predispose to MODY3. It is associated with both micro and macrovascular complications of diabetes, especially cardiovascular complications. Associated with glucosuria. May respond well to sulfonylureas. However, more evidence is required to confer the association of this particular variant rs193922604 with MODY3.

Literature cited by the submitters: PubMed 18003757 (cited by ClinGen Monogenic Diabetes Variant Curation Expert Panel and Women's Health and Genetics/Laboratory Corporation of America, LabCorp); PubMed 36257325 (cited by ClinGen Monogenic Diabetes Variant Curation Expert Panel); PubMed 31517624 (cited by Clinical Genomics, Uppaluri K&H Personalized Medicine Clinic); PubMed 32395877 (cited by Clinical Genomics, Uppaluri K&H Personalized Medicine Clinic); PubMed 35328643 (cited by Clinical Genomics, Uppaluri K&H Personalized Medicine Clinic); PubMed 35673428 (cited by Clinical Genomics, Uppaluri K&H Personalized Medicine Clinic).